The following is an entry in ClinVar:

NM_000287.4(PEX6):c.2699del (p.Asn900fs)

Gene: PEX6 (peroxisomal biogenesis factor 6; minus strand). Cytogenetic location: 6p21.1.
Variant type: Deletion.
Coding change: c.2699del on transcript NM_000287.4 (MANE Select); coding-DNA position 2699, one base deleted (A; older notation c.2699delA).
Protein change: p.Asn900fs; shifts the reading frame from asparagine 900.
Molecular consequence: frameshift variant. On other transcripts: non-coding transcript variant (1).
Genome position (GRCh38, 1-based): chr6:42,964,897, T deleted on the plus strand (A on the coding strand, the reverse complement: PEX6 is on the minus strand); the first of 3 consecutive T bases (chr6:42,964,897-42,964,899); deleting any one gives the same sequence. VCF-style (leftmost placement, unchanged base first): chr6-42964896-GT-G. GRCh37 (hg19) VCF-style: chr6-42932634-GT-G.
Other names: c.2435del, p.Asn812fs (NM_001316313.2); short protein forms N812fs, N900fs.
Identifiers: ClinVar variation 4818119 (VCV004818119.1).
Genomic context (GRCh38, chr6:42,964,896, plus strand): 5'-ATCAGAGCAGAGAGAGTAGAGGTCCGCGCCCGTCAGCTGGGGAGGGCAGCAATCTAGCAC[GT>G]TTACCAGGCTCACAGATGGCTCTAGCTTGAATCTGTTGTGGGATACAGGAAGAAACAGAG-3'

ClinVar aggregate classification (germline): Likely pathogenic (1 of 4 stars; one submission).

Conditions:
Zellweger spectrum disorders (ZS). Also called: Zellweger Spectrum Disorder (ZSD); Zellweger syndrome; Zellweger Spectrum Disorder; Zellweger Spectrum. Identifiers: Orphanet 912, MedGen C0043459, MONDO:0019609.

Submission:

Natera, Inc.
Classification: Likely pathogenic for Zellweger syndrome. Last evaluated: 2024-10-07. Review status: criteria provided, single submitter. Criteria: Natera Variant Classification Schema (03/2026). Collection method: clinical testing. Allele origin: germline.
Comment: The c.2699del variant in PEX6 is a frameshift variant predicted to shift the reading frame beginning at codon 900 and leads to a stop codon 3 codons downstream. This variant is expected to result in nonsense mediated decay, truncation, or a dysfunctional protein product. This variant is rare in the general population with a frequency below the threshold expected for the associated phenotype(s). Given the available evidence, this variant is classified as Likely Pathogenic.